The following is an entry in ClinVar:

ClinVar aggregate classification (germline): Benign/Likely benign. Review status: criteria provided, multiple submitters, no conflicts (2 of 4 stars). 2 submissions from 2 submitters: Benign (1); Likely benign (1). Last evaluated 2024-11-07.

Conditions:
Hereditary cancer-predisposing syndrome. Also called: Tumor predisposition; Hereditary neoplastic syndrome; Neoplastic Syndromes, Hereditary; Hereditary Cancer Syndrome. Identifiers: Orphanet 140162, MedGen C0027672, MeSH D009386, MONDO:0015356.
Papillary renal cell carcinoma type 1 (RCCP1). Also called: Renal adenocarcinoma; Renal cell carcinoma 1; Renal cell carcinoma, somatic; RENAL CELL CARCINOMA, PAPILLARY, 1, SOMATIC. Identifiers: Orphanet 47044, MedGen C1336839, OMIM 605074, HP:0011797.

Allele frequency attached by ClinVar (database versions not stated): gnomAD exomes below 0.00001.

Submissions (2):

Myriad Genetics, Inc.
Classification: Benign for Papillary renal cell carcinoma type 1. Last evaluated: 2024-11-07. Review status: criteria provided, single submitter. Criteria: Myriad Autosomal Dominant, Autosomal Recessive and X-Linked Classification Criteria (2023). Collection method: clinical testing. Allele origin: unknown.
Comment: This variant is considered benign. This variant is a silent/synonymous amino acid change and it is not expected to impact splicing.

Ambry Genetics
Classification: Likely benign for Hereditary cancer-predisposing syndrome. Last evaluated: 2018-09-12. Review status: criteria provided, single submitter. Criteria: Ambry Variant Classification Scheme 2023. Collection method: clinical testing. Allele origin: germline.

NM_000245.4(MET):c.1218A>G (p.Ser406=)

Gene: MET (MET proto-oncogene, receptor tyrosine kinase; plus strand). Cytogenetic location: 7q31.2.
Variant type: single nucleotide variant.
Coding change: c.1218A>G on transcript NM_000245.4 (MANE Select); coding-DNA position 1218, A replaced by G.
Protein change: p.Ser406=; no amino-acid change (serine 406 retained).
Molecular consequence: synonymous variant. On other transcripts: 5 prime UTR variant (1).
Genome position (GRCh38, 1-based): chr7:116,731,685, A>G. VCF-style: chr7-116731685-A-G. GRCh37 (hg19) VCF-style: chr7-116371739-A-G.
Other names: c.1218A>G, p.Ser406= (NM_001127500.3, NM_001324401.3); c.-73A>G (NM_001324402.2).
Identifiers: ClinVar variation 818619 (VCV000818619.5), dbSNP rs1358705636, ClinGen allele CA457215102.